The following is an entry in ClinVar:

NM_002180.3(IGHMBP2):c.345G>A (p.Thr115=)

Gene: IGHMBP2 (immunoglobulin mu DNA binding protein 2; plus strand). Cytogenetic location: 11q13.3.
Variant type: single nucleotide variant.
Coding change: c.345G>A on transcript NM_002180.3 (MANE Select); coding-DNA position 345, G replaced by A.
Protein change: p.Thr115=; no amino-acid change (threonine 115 retained).
Molecular consequence: synonymous variant.
Genome position (GRCh38, 1-based): chr11:68,908,233, G>A. VCF-style: chr11-68908233-G-A. GRCh37 (hg19) VCF-style: chr11-68675701-G-A.
Identifiers: ClinVar variation 513828 (VCV000513828.11), dbSNP rs747166731, ClinGen allele CA6153267.

ClinVar aggregate classification (germline): Likely benign. Review status: criteria provided, multiple submitters, no conflicts (2 of 4 stars). 3 submissions from 3 submitters: Likely benign (3). Last evaluated 2026-01-24.

Conditions:
Inborn genetic diseases. Identifiers: MedGen C0950123, MeSH D030342.
Charcot-Marie-Tooth disease axonal type 2S. Also called: CHARCOT-MARIE-TOOTH DISEASE, AXONAL, AUTOSOMAL RECESSIVE, TYPE 2S; CHARCOT-MARIE-TOOTH NEUROPATHY, TYPE 2S. Identifiers: Orphanet 443073, MedGen C4015349, MONDO:0014511, OMIM 616155.
Autosomal recessive distal spinal muscular atrophy 1. Also called: NEURONOPATHY, DISTAL HEREDITARY MOTOR, HARDING TYPE VI; NEUROPATHY, DISTAL HEREDITARY MOTOR, AUTOSOMAL RECESSIVE 1; NEURONOPATHY, SEVERE INFANTILE AXONAL, WITH RESPIRATORY FAILURE; SEVERE INFANTILE AXONAL NEUROPATHY WITH RESPIRATORY FAILURE; SPINAL MUSCULAR ATROPHY, DIAPHRAGMATIC; Spinal muscular atrophy with respiratory distress 1. Identifiers: Orphanet 98920, MedGen C1858517, MONDO:0011436, OMIM 604320.

Allele frequency attached by ClinVar (database versions not stated): gnomAD exomes below 0.00001 and 0.00001; ExAC 0.00001; gnomAD 0.00001; TOPMed 0.00003.
gnomAD v4.1: 14 of 1,613,940 alleles (0.00087%); highest among the groups gnomAD compares: Admixed American, 0.005%; no homozygotes.

Submissions (3):

Labcorp Genetics (formerly Invitae), Labcorp
Classification: Likely benign for Autosomal recessive distal spinal muscular atrophy 1; Charcot-Marie-Tooth disease axonal type 2S. Last evaluated: 2026-01-24. Review status: criteria provided, single submitter. Criteria: Invitae Variant Classification Sherloc (09022015). Collection method: clinical testing. Allele origin: germline.

Ambry Genetics
Classification: Likely benign for Inborn genetic diseases. Last evaluated: 2019-07-11. Review status: criteria provided, single submitter. Criteria: Ambry Variant Classification Scheme 2023. Collection method: clinical testing. Allele origin: germline.

GeneDx
Classification: Likely benign. Last evaluated: 2017-12-05. Review status: criteria provided, single submitter. Criteria: GeneDx Variant Classification (06012015). Collection method: clinical testing. Allele origin: germline. Affected: yes.
Comment: This variant is considered likely benign or benign based on one or more of the following criteria: it is a conservative change, it occurs at a poorly conserved position in the protein, it is predicted to be benign by multiple in silico algorithms, and/or has population frequency not consistent with disease.